The following is an entry in ClinVar:

ClinVar aggregate classification (germline): Uncertain significance (1 of 4 stars; one submission).

Conditions:
Immunodeficiency 97 with autoinflammation (IMD97). Identifiers: MedGen C5676946, MONDO:0030717, OMIM 619802.

Submission:

Laboratorio de Genetica e Diagnostico Molecular, Hospital Israelita Albert Einstein
Classification: Uncertain significance for Immunodeficiency 97 with autoinflammation. Last evaluated: 2023-12-14. Review status: criteria provided, single submitter. Criteria: ACMG Guidelines, 2015. Collection method: clinical testing. Allele origin: germline. Affected: yes.
Comment: ACMG classification criteria: PM2 moderate

NM_001282426.2(PIK3CG):c.1568dup (p.Tyr523Ter)

Gene: PIK3CG (phosphatidylinositol-4,5-bisphosphate 3-kinase catalytic subunit gamma; plus strand). Cytogenetic location: 7q22.3.
Variant type: Duplication.
Coding change: c.1568dup on transcript NM_001282426.2 (MANE Select); coding-DNA position 1568, one base duplicated (A; older notation c.1568dupA).
Protein change: p.Tyr523Ter; replaces tyrosine 523 with a stop codon.
Molecular consequence: nonsense.
Genome position (GRCh38, 1-based): chr7:106,869,129, A duplicated. VCF-style (leftmost placement, unchanged base first): chr7-106869128-T-TA. GRCh37 (hg19) VCF-style: chr7-106509573-T-TA.
Other names: c.1568dup, p.Tyr523Ter (NM_001282427.2, NM_002649.3); short protein forms Y523*.
Identifiers: ClinVar variation 4056726 (VCV004056726.1).